The following is an entry in ClinVar:

NM_033380.3(COL4A5):c.3942+2T>C

Gene: COL4A5 (collagen type IV alpha 5 chain; plus strand). Cytogenetic location: Xq22.3.
Variant type: single nucleotide variant.
Coding change: c.3942+2T>C on transcript NM_033380.3 (MANE Select); the canonical splice donor site of the intron after coding-DNA position 3942, T replaced by C.
Molecular consequence: splice donor variant.
Genome position (GRCh38, 1-based): chrX:108,677,635, T>C. VCF-style: chrX-108677635-T-C. GRCh37 (hg19) VCF-style: chrX-107920865-T-C.
Other names: c.3924+2T>C (NM_000495.5).
Identifiers: ClinVar variation 988112 (VCV000988112.1), dbSNP rs2068333361, ClinGen allele CA413850928.

ClinVar aggregate classification (germline): Pathogenic (0 of 4 stars; one submission).

Conditions:
Alport syndrome. Also called: Hemorrhagic familial nephritis; Hemorrhagic hereditary nephritis; Congenital hereditary hematuria. Identifiers: Orphanet 63, MedGen C1567741, MONDO:0018965.

Submission:

Sydney Genome Diagnostics, Children's Hospital Westmead
Classification: Pathogenic for Alport syndrome. Last evaluated: 2018-04-03. Review status: no assertion criteria provided. Collection method: clinical testing. Allele origin: unknown. Affected: yes. Observed: 1 variant allele, 1 heterozygote.
Comment: The variant has not been reported in any population databases (i.e. gnomAD, ExAC, ESP or dbSNP). To our knowledge, this variant has not been previously reported in the literature or any disease specific databases. In silico analysis of pathogenicity (through Alamut Visual v2.8.1) predicts that this variant abolishes the splice donor site. This variant is considered to be pathogenic according to the ACMG guidelines.